The following is an entry in ClinVar:

NM_212552.3(BOLA3):c.46_54dup (p.Gly18_Leu19insIleArgGly)

Gene: BOLA3 (bolA family member 3; minus strand). Cytogenetic location: 2p13.1.
Variant type: Duplication.
Coding change: c.46_54dup on transcript NM_212552.3 (MANE Select); coding-DNA positions 46 to 54, 9 bases duplicated (ATCCGCGGG; older notation c.46_54dupATCCGCGGG).
Protein change: p.Gly18_Leu19insIleArgGly.
Molecular consequence: inframe insertion.
Genome position (GRCh38, 1-based): chr2:74,147,821-74,147,829, CCCGCGGAT duplicated on the plus strand (ATCCGCGGG on the coding strand, the reverse complement: BOLA3 is on the minus strand); duplicating any 9 consecutive bases within chr2:74,147,821-74,147,837 gives the same sequence; the c. name uses the placement nearest the transcript's 3' end. VCF-style (leftmost placement, unchanged base first): chr2-74147820-C-CCCCGCGGAT. GRCh37 (hg19) VCF-style: chr2-74374947-C-CCCCGCGGAT.
Other names: c.46_54dup, p.Gly18_Leu19insIleArgGly (NM_001035505.2).
Identifiers: ClinVar variation 2041386 (VCV002041386.4), dbSNP rs2528338147, ClinGen allele CA2580068175.

ClinVar aggregate classification (germline): Uncertain significance (1 of 4 stars; one submission).

Submission:

Labcorp Genetics (formerly Invitae), Labcorp
Classification: Uncertain significance. Last evaluated: 2022-06-28. Review status: criteria provided, single submitter. Criteria: Invitae Variant Classification Sherloc (09022015). Collection method: clinical testing. Allele origin: germline.
Comment: In summary, the available evidence is currently insufficient to determine the role of this variant in disease. Therefore, it has been classified as a Variant of Uncertain Significance. Algorithms developed to predict the effect of sequence changes on RNA splicing suggest that this variant may disrupt the consensus splice site. This variant has not been reported in the literature in individuals affected with BOLA3-related conditions. This variant is not present in population databases (gnomAD no frequency). This variant, c.46_54dup, results in the insertion of 3 amino acid(s) of the BOLA3 protein (Splice site), but otherwise preserves the integrity of the reading frame.